The following is an entry in ClinVar:

NM_001330078.2(NRXN1):c.2196C>T (p.Pro732=)

Gene: NRXN1 (neurexin 1; minus strand). Cytogenetic location: 2p16.3.
Variant type: single nucleotide variant.
Coding change: c.2196C>T on transcript NM_001330078.2 (MANE Select); coding-DNA position 2196, C replaced by T.
Protein change: p.Pro732=; no amino-acid change (proline 732 retained).
Molecular consequence: synonymous variant.
Genome position (GRCh38, 1-based): chr2:50,531,378, G>A on the plus strand (C>T on the coding strand, the complement: NRXN1 is on the minus strand). VCF-style: chr2-50531378-G-A. GRCh37 (hg19) VCF-style: chr2-50758516-G-A.
Other names: c.2316C>T, p.Pro772= (NM_001135659.3); c.2172C>T, p.Pro724= (NM_001330077.2, NM_001330082.2, NM_001330095.2); c.2157C>T, p.Pro719= (NM_001330083.2, NM_001330084.2); c.2196C>T, p.Pro732= (NM_001330085.2, NM_001330086.2, NM_004801.6); c.2112C>T, p.Pro704= (NM_001330087.2, NM_001330096.2); c.2142C>T, p.Pro714= (NM_001330088.2); c.2193C>T, p.Pro731= (NM_001330093.2); c.2184C>T, p.Pro728= (NM_001330094.2); and 1 more.
Identifiers: ClinVar variation 378291 (VCV000378291.54), dbSNP rs549242356, ClinGen allele CA1654897.

ClinVar aggregate classification (germline): Likely benign. Review status: criteria provided, multiple submitters, no conflicts (2 of 4 stars). 4 submissions from 4 submitters: Likely benign (3). 1 of the submissions does not count toward it. Last evaluated 2026-02-03.

Conditions:
Inborn genetic diseases. Identifiers: MedGen C0950123, MeSH D030342.
Pitt-Hopkins-like syndrome 2 (PTHSL2). Identifiers: Orphanet 221150, Orphanet 600663, MedGen C3280479, MONDO:0013690, OMIM 614325.
NRXN1-related disorder.

Allele frequency attached by ClinVar (database versions not stated): gnomAD 0.00001; ExAC 0.00003; TOPMed 0.00003; gnomAD exomes 0.00004; 1000 Genomes Project 0.00020; 1000 Genomes Project 30x 0.00031.
gnomAD v4.1: 25 of 1,612,666 alleles (0.0016%); highest among the groups gnomAD compares: South Asian, 0.019%; no homozygotes.

Submissions (4):

Labcorp Genetics (formerly Invitae), Labcorp
Classification: Likely benign for Pitt-Hopkins-like syndrome 2. Last evaluated: 2026-02-03. Review status: criteria provided, single submitter. Criteria: Invitae Variant Classification Sherloc (09022015). Collection method: clinical testing. Allele origin: germline.

GeneDx
Classification: Likely benign. Last evaluated: 2020-01-08. Review status: criteria provided, single submitter. Criteria: GeneDx Variant Classification Process June 2021. Collection method: clinical testing. Allele origin: germline. Affected: yes.

Ambry Genetics
Classification: Likely benign for Inborn genetic diseases. Last evaluated: 2018-12-13. Review status: criteria provided, single submitter. Criteria: Ambry Variant Classification Scheme 2023. Collection method: clinical testing. Allele origin: germline.

PreventionGenetics, part of Exact Sciences
Classification: Likely benign for NRXN1-related condition. Last evaluated: 2021-12-29. Review status: no assertion criteria provided. Collection method: clinical testing. Allele origin: germline. Not counted in ClinVar's aggregate classification.
Comment: This variant is classified as likely benign based on ACMG/AMP sequence variant interpretation guidelines (Richards et al. 2015 PMID: 25741868, with internal and published modifications).